The following is an entry in ClinVar:

ClinVar aggregate classification (germline): Uncertain significance. Review status: criteria provided, multiple submitters, no conflicts (2 of 4 stars). 2 submissions from 2 submitters: Uncertain significance (2). Last evaluated 2024-08-31.

Allele frequency attached by ClinVar (database versions not stated): TOPMed 0.00002.
gnomAD v4.1: 55 of 1,613,728 alleles (0.0034%); highest among the groups gnomAD compares: Middle Eastern, 0.082%; no homozygotes.

Submissions (2):

Labcorp Genetics (formerly Invitae), Labcorp
Classification: Uncertain significance. Last evaluated: 2024-08-31. Review status: criteria provided, single submitter. Criteria: Invitae Variant Classification Sherloc (09022015). Collection method: clinical testing. Allele origin: germline.
Comment: This sequence change replaces threonine, which is neutral and polar, with arginine, which is basic and polar, at codon 400 of the AHR protein (p.Thr400Arg). This variant is present in population databases (rs757131411, gnomAD 0.03%). This variant has not been reported in the literature in individuals affected with AHR-related conditions. ClinVar contains an entry for this variant (Variation ID: 1036509). An algorithm developed to predict the effect of missense changes on protein structure and function (PolyPhen-2) suggests that this variant¬†is likely to be tolerated. In summary, the available evidence is currently insufficient to determine the role of this variant in disease. Therefore, it has been classified as a Variant of Uncertain Significance.

Ambry Genetics
Classification: Uncertain significance. Last evaluated: 2024-06-17. Review status: criteria provided, single submitter. Criteria: Ambry Variant Classification Scheme 2023. Collection method: clinical testing. Allele origin: germline.

NM_001621.5(AHR):c.1199C>G (p.Thr400Arg)

Gene: AHR (aryl hydrocarbon receptor; plus strand). Cytogenetic location: 7p21.1.
Variant type: single nucleotide variant.
Coding change: c.1199C>G on transcript NM_001621.5 (MANE Select); coding-DNA position 1199, C replaced by G.
Protein change: p.Thr400Arg; replaces threonine 400 with arginine.
Molecular consequence: missense variant.
Genome position (GRCh38, 1-based): chr7:17,339,024, C>G. VCF-style: chr7-17339024-C-G. GRCh37 (hg19) VCF-style: chr7-17378648-C-G.
Other names: c.1199C>G (NM_001621.4); short protein forms T400R.
Identifiers: ClinVar variation 1036509 (VCV001036509.9), dbSNP rs757131411, ClinGen allele CA4172050.